The following is an entry in ClinVar:

ClinVar aggregate classification (germline): Uncertain significance. Review status: criteria provided, multiple submitters, no conflicts (2 of 4 stars). 3 submissions from 3 submitters: Uncertain significance (3). Last evaluated 2024-03-25.

Allele frequency attached by ClinVar (database versions not stated): TOPMed 0.00014; gnomAD exomes 0.00018; ExAC 0.00019; 1000 Genomes Project 0.00080; 1000 Genomes Project 30x 0.00109.
gnomAD v4.1: 287 of 1,609,720 alleles (0.018%); highest among the groups gnomAD compares: Admixed American, 0.054%; 1 homozygote.

Submissions (3):

Ambry Genetics
Classification: Uncertain significance. Last evaluated: 2024-03-25. Review status: criteria provided, single submitter. Criteria: Ambry Variant Classification Scheme 2023. Collection method: clinical testing. Allele origin: germline.

CeGaT Center for Human Genetics Tuebingen
Classification: Uncertain significance. Last evaluated: 2023-08-01. Review status: criteria provided, single submitter. Criteria: CeGaT Center For Human Genetics Tuebingen Variant Classification Criteria Version 2. Collection method: clinical testing. Allele origin: germline. Affected: yes. Observed: 1 variant allele.
Comment: TNK2: PM2

Labcorp Genetics (formerly Invitae), Labcorp
Classification: Uncertain significance. Last evaluated: 2023-01-14. Review status: criteria provided, single submitter. Criteria: Invitae Variant Classification Sherloc (09022015). Collection method: clinical testing. Allele origin: germline.
Comment: In summary, the available evidence is currently insufficient to determine the role of this variant in disease. Therefore, it has been classified as a Variant of Uncertain Significance. This sequence change replaces glycine, which is neutral and non-polar, with serine, which is neutral and polar, at codon 801 of the TNK2 protein (p.Gly801Ser). This variant is present in population databases (rs565563192, gnomAD 0.05%). This variant has not been reported in the literature in individuals affected with TNK2-related conditions. Algorithms developed to predict the effect of missense changes on protein structure and function output the following: SIFT: "Tolerated"; PolyPhen-2: "Benign"; Align-GVGD: "Class C0". The serine amino acid residue is found in multiple mammalian species, which suggests that this missense change does not adversely affect protein function.

NM_001382273.1(TNK2):c.2212G>A (p.Gly738Ser)

Gene: TNK2 (tyrosine kinase non receptor 2; minus strand). Cytogenetic location: 3q29.
Variant type: single nucleotide variant.
Coding change: c.2212G>A on transcript NM_001382273.1 (MANE Select); coding-DNA position 2212, G replaced by A.
Protein change: p.Gly738Ser; replaces glycine 738 with serine.
Molecular consequence: missense variant. On other transcripts: non-coding transcript variant (15).
Genome position (GRCh38, 1-based): chr3:195,868,086, C>T on the plus strand (G>A on the coding strand, the complement: TNK2 is on the minus strand). VCF-style: chr3-195868086-C-T. GRCh37 (hg19) VCF-style: chr3-195594957-C-T.
Other names: c.2401G>A (NM_001010938.1); c.2284G>A, p.Gly762Ser (NM_001010938.2, NM_001382272.1); c.2263G>A, p.Gly755Ser (NM_001308046.2, NM_001382271.1); c.2212G>A, p.Gly738Ser (NM_001382274.1, NM_001387716.1, NM_001387717.1 and 1 more transcripts); c.2308G>A, p.Gly770Ser (NM_001382275.1, NM_001387707.1); c.2167G>A, p.Gly723Ser (NM_001386164.1, NM_001387709.1, NM_001387710.1 and 8 more transcripts); c.2239G>A, p.Gly747Ser (NM_001387708.1, NM_001387715.1); short protein forms G723S, G738S, G747S, G755S, G762S, G770S.
Identifiers: ClinVar variation 2654502 (VCV002654502.28), dbSNP rs565563192, ClinGen allele CA2776021.